The following is an entry in ClinVar:

NM_022051.3(EGLN1):c.663G>C (p.Gln221His)

Gene: EGLN1 (egl-9 family hypoxia inducible factor 1; minus strand). Cytogenetic location: 1q42.2.
Variant type: single nucleotide variant.
Coding change: c.663G>C on transcript NM_022051.3 (MANE Select); coding-DNA position 663, G replaced by C.
Protein change: p.Gln221His; replaces glutamine 221 with histidine.
Molecular consequence: missense variant.
Genome position (GRCh38, 1-based): chr1:231,421,226, C>G on the plus strand (G>C on the coding strand, the complement: EGLN1 is on the minus strand). VCF-style: chr1-231421226-C-G. GRCh37 (hg19) VCF-style: chr1-231556972-C-G.
Other names: c.663G>C, p.Gln221His (NM_001377260.1, NM_001377261.1); short protein forms Q221H.
Identifiers: ClinVar variation 1754636 (VCV001754636.2), dbSNP rs1572057341, ClinGen allele CA345236037.

ClinVar aggregate classification (germline): Uncertain significance (1 of 4 stars; one submission).

Submission:

Ambry Genetics
Classification: Uncertain significance. Last evaluated: 2021-12-15. Review status: criteria provided, single submitter. Criteria: Ambry Variant Classification Scheme 2023. Collection method: clinical testing. Allele origin: germline.
Comment: The p.Q221H variant (also known as c.663G>C), located in coding exon 1 of the EGLN1 gene, results from a G to C substitution at nucleotide position 663. The glutamine at codon 221 is replaced by histidine, an amino acid with highly similar properties. This amino acid position is conserved. In addition, this alteration is predicted to be tolerated by in silico analysis. Since supporting evidence is limited at this time, the clinical significance of this alteration remains unclear.